The following is an entry in ClinVar:

ClinVar aggregate classification (germline): Uncertain significance (1 of 4 stars; one submission).

Conditions:
Perry syndrome. Also called: PARKINSONISM WITH ALVEOLAR HYPOVENTILATION AND MENTAL DEPRESSION. Identifiers: Orphanet 178509, MedGen C1868594, MONDO:0008201, OMIM 168605.
Neuronopathy, distal hereditary motor, type 7B. Also called: Distal Hereditary Motor Neuronopathy Type 7B (dHMN7B); NEURONOPATHY, DISTAL HEREDITARY MOTOR, AUTOSOMAL DOMINANT 14; NEURONOPATHY, DISTAL HEREDITARY MOTOR, HARDING TYPE VIIB; NEUROPATHY, DISTAL HEREDITARY MOTOR, HARDING TYPE VIIB; NEUROPATHY, DISTAL HEREDITARY MOTOR, WITH VOCAL CORD PARALYSIS, HARDING TYPE VIIB; HMN VIIB. Identifiers: Orphanet 139589, MedGen C1843315, MONDO:0011879, OMIM 607641.
Amyotrophic lateral sclerosis type 1 (ALS1). Also called: AMYOTROPHIC LATERAL SCLEROSIS 1, FAMILIAL. Identifiers: Orphanet 803, MedGen C1862939, MONDO:0007103, OMIM 105400.

Allele frequency attached by ClinVar (database versions not stated): gnomAD exomes below 0.00001.
gnomAD v4.1: 4 of 1,613,690 alleles (0.00025%); highest among the groups gnomAD compares: Non-Finnish European, 0.00025%; no homozygotes.

Submission:

Labcorp Genetics (formerly Invitae), Labcorp
Classification: Uncertain significance for Amyotrophic lateral sclerosis type 1; Neuronopathy, distal hereditary motor, type 7B; Perry syndrome. Last evaluated: 2023-10-04. Review status: criteria provided, single submitter. Criteria: Invitae Variant Classification Sherloc (09022015). Collection method: clinical testing. Allele origin: germline.
Comment: This sequence change replaces valine, which is neutral and non-polar, with alanine, which is neutral and non-polar, at codon 96 of the DCTN1 protein (p.Val96Ala). This variant is not present in population databases (gnomAD no frequency). This variant has not been reported in the literature in individuals affected with DCTN1-related conditions. ClinVar contains an entry for this variant (Variation ID: 854775). Advanced modeling of protein sequence and biophysical properties (such as structural, functional, and spatial information, amino acid conservation, physicochemical variation, residue mobility, and thermodynamic stability) performed at Invitae indicates that this missense variant is not expected to disrupt DCTN1 protein function. In summary, the available evidence is currently insufficient to determine the role of this variant in disease. Therefore, it has been classified as a Variant of Uncertain Significance.

NM_004082.5(DCTN1):c.287T>C (p.Val96Ala)

Gene: DCTN1 (dynactin subunit 1; minus strand). Cytogenetic location: 2p13.1.
Variant type: single nucleotide variant.
Coding change: c.287T>C on transcript NM_004082.5 (MANE Select); coding-DNA position 287, T replaced by C.
Protein change: p.Val96Ala; replaces valine 96 with alanine.
Molecular consequence: missense variant. On other transcripts: non-coding transcript variant (1).
Genome position (GRCh38, 1-based): chr2:74,377,719, A>G on the plus strand (T>C on the coding strand, the complement: DCTN1 is on the minus strand). VCF-style: chr2-74377719-A-G. GRCh37 (hg19) VCF-style: chr2-74604846-A-G.
Other names: c.287T>C, p.Val96Ala (NM_001135040.3, NM_001190837.2); c.236T>C, p.Val79Ala (NM_001190836.2, NM_001378991.1, NM_001378992.1); short protein forms V96A, V79A.
Identifiers: ClinVar variation 854775 (VCV000854775.10), dbSNP rs1675306520, ClinGen allele CA347321395.
Genomic context (GRCh38, chr2:74,377,719, plus strand): 5'-ACTTTTGAAGCAGAAGAATCAGGTGTCTCTGGGGAAGTAGTATCTGCTCCATCTTCAAAT[A>G]CCTGGATCTGAGGCCAGATTCAATATAGCCAGATCAATAGTTTCAATATAGCCAGATCAA-3'
Protein context (NP_004073.2, residues 86-106): GIFVRQSQIQ[Val96Ala]FEDGADTTSP